The following is an entry in ClinVar:

ClinVar aggregate classification (germline): Likely benign (1 of 4 stars; one submission).

Conditions:
Familial cancer of breast. Also called: BREAST CANCER, FAMILIAL; Hereditary breast cancer; hereditary breast carcinoma. Identifiers: Orphanet 227535, MedGen C0346153, MONDO:0016419, OMIM 114480. Disease mechanism: loss of function.

Submission:

Myriad Genetics, Inc.
Classification: Likely benign for Familial cancer of breast. Last evaluated: 2024-05-02. Review status: criteria provided, single submitter. Criteria: Myriad Autosomal Dominant, Autosomal Recessive and X-Linked Classification Criteria (2023). Collection method: clinical testing. Allele origin: unknown.
Comment: This variant is considered likely benign. This variant is intronic and is not expected to impact mRNA splicing.

NM_000051.4(ATM):c.1899-12A>T

Gene: ATM (ATM serine/threonine kinase; plus strand). Cytogenetic location: 11q22.3.
Variant type: single nucleotide variant.
Coding change: c.1899-12A>T on transcript NM_000051.4 (MANE Select); 12 bases into the intron before coding-DNA position 1899, A replaced by T.
Molecular consequence: intron variant.
Genome position (GRCh38, 1-based): chr11:108,253,802, A>T. VCF-style: chr11-108253802-A-T. GRCh37 (hg19) VCF-style: chr11-108124529-A-T.
Other names: c.1899-12A>T (NM_001351834.2).
Identifiers: ClinVar variation 3254252 (VCV003254252.1), dbSNP rs2135365180.